The following is an entry in ClinVar:

NM_030632.3(ASXL3):c.4376del (p.Gly1459fs)

Gene: ASXL3 (ASXL transcriptional regulator 3; plus strand). Cytogenetic location: 18q12.1.
Variant type: Deletion.
Coding change: c.4376del on transcript NM_030632.3 (MANE Select); coding-DNA position 4376, one base deleted (G; older notation c.4376delG).
Protein change: p.Gly1459fs; shifts the reading frame from glycine 1459.
Molecular consequence: frameshift variant.
Genome position (GRCh38, 1-based): chr18:33,744,224, G deleted; the last of 5 consecutive G bases (chr18:33,744,220-33,744,224); deleting any one gives the same sequence. VCF-style (leftmost placement, unchanged base first): chr18-33744219-AG-A. GRCh37 (hg19) VCF-style: chr18-31324183-AG-A.
Other names: c.4376delG (NM_030632.1); c.4376del (NM_030632.1); short protein forms G1459fs.
Identifiers: ClinVar variation 813001 (VCV000813001.5), dbSNP rs1599573759, ClinGen allele CA915952508.
Genomic context (GRCh38, chr18:33,744,219, plus strand): 5'-GGACAAAAATTCAGGGCCTCGAAACAGGGCAGATAATTCTGGAAAACCTCAGCAACCACC[AG>A]GGGGCTTTGCACCAGCAGCCATAAACCGATCAATTCCGTGTAAAGTCATCGTTGACCACA-3'

ClinVar aggregate classification (germline): Pathogenic. Review status: criteria provided, multiple submitters, no conflicts (2 of 4 stars). 3 submissions from 3 submitters: Pathogenic (2). 1 of the submissions does not count toward it. Last evaluated 2026-09-14.

Conditions:
Inborn genetic diseases. Identifiers: MedGen C0950123, MeSH D030342.
Sleep disturbance. Also called: sleep difficulties. Identifiers: MedGen C0037317, HP:0002360.
Decreased head circumference. Identifiers: MedGen C0424688, HP:0040195.
Atypical behavior. Also called: Behavioral disorders; Behavioral abnormality. Identifiers: MedGen C0004941, HP:0000708.
Global developmental delay (DD). Also called: Cognitive delay. Identifiers: MedGen C0557874, HP:0001263. Disease mechanism: loss of function.

Submissions (3):

GeneDx
Classification: Pathogenic. Last evaluated: 2026-09-14. Review status: criteria provided, single submitter. Criteria: GeneDx Variant Classification Process June 2021. Collection method: clinical testing. Allele origin: germline.
Comment: Frameshift variant predicted to result in abnormal protein length as the last 790 amino acid(s) are replaced with 6 different amino acid(s), and other similar variants have been reported in HGMD; Not observed at significant frequency in large population cohorts (gnomAD); This variant is associated with the following publications: (PMID: 32581362, 37541188)

Ambry Genetics
Classification: Pathogenic for Inborn genetic diseases. Last evaluated: 2025-07-15. Review status: criteria provided, single submitter. Criteria: Ambry Variant Classification Scheme 2023. Collection method: clinical testing. Allele origin: germline.
Comment: The c.4376delG (p.G1459Afs*7) alteration, located in exon 12 (coding exon 12) of the ASXL3 gene, consists of a deletion of one nucleotide at position 4376, causing a translational frameshift with a predicted alternate stop codon after 7 amino acids. This variant is not expected to trigger nonsense-mediated mRNA decay and impacts the last 35% of the protein. However, premature stop codons are typically deleterious in nature, the impacted region is critical for protein function, and a significant portion of the protein is affected (Ambry internal data). This variant was not reported in population-based cohorts in the Genome Aggregation Database (gnomAD). This variant was reported in individual(s) with features consistent with Bainbridge-Ropers syndrome (Sanchis-Juan, 2023). Based on the available evidence, this alteration is classified as pathogenic.

NIHR Bioresource Rare Diseases, University of Cambridge
Classification: Likely pathogenic for Atypical behavior; Decreased head circumference; Global developmental delay; Sleep disturbance. Review status: no assertion criteria provided. Collection method: research. Allele origin: unknown. Affected: yes. Observed: 1 variant allele. Not counted in ClinVar's aggregate classification.

Literature cited by the submitters: PubMed 37541188 (cited by Ambry Genetics); PubMed 32581362 (cited by NIHR Bioresource Rare Diseases, University of Cambridge).